The following is an entry in ClinVar:

ClinVar aggregate classification (germline): Conflicting classifications of pathogenicity. Review status: criteria provided, conflicting classifications (1 of 4 stars). 10 submissions from 7 submitters: Uncertain significance (7); Benign (2); Likely benign (1). Last evaluated 2026-08-06.

Conditions:
Autosomal recessive cerebellar ataxia. Also called: Spinocerebellar Ataxia, Recessive; Spinocerebellar ataxia, autosomal recessive. Identifiers: Orphanet 1172, MedGen C5575375, MONDO:0015244.
Hereditary spastic paraplegia. Also called: Familial spastic paraparesis. Identifiers: Orphanet 685, MedGen C0037773, MONDO:0019064. Disease mechanism: loss of function.
Infantile onset spinocerebellar ataxia (MTDPS7). Also called: Mitochondrial DNA depletion syndrome 7 (hepatocerebral type); OPHTHALMOPLEGIA, HYPOTONIA, ATAXIA, HYPOACUSIS, AND ATHETOSIS; OHAHA SYNDROME; SPINOCEREBELLAR ATAXIA, INFANTILE, WITH SENSORY NEUROPATHY. Identifiers: Orphanet 1186, MedGen C1849096, MONDO:0010060, OMIM 271245.
Sensory ataxic neuropathy, dysarthria, and ophthalmoparesis (SANDO). Also called: Epilepsy, progressive myoclonic, type 5; Sensory ataxic neuropathy-dysarthria-ophthalmoparesis syndrome; Ataxia Neuropathy Spectrum (ANS); SENSORY ATAXIC NEUROPATHY WITH MITOCHONDRIAL DNA DELETIONS, AUTOSOMAL RECESSIVE. Identifiers: Orphanet 70595, MedGen C1843851, MONDO:0011835, OMIM 607459.
Progressive external ophthalmoplegia with mitochondrial DNA deletions, autosomal dominant 3. Also called: PROGRESSIVE EXTERNAL OPHTHALMOPLEGIA, AUTOSOMAL DOMINANT 3. Identifiers: MedGen C1836439, MONDO:0012241, OMIM 609286.

Allele frequency attached by ClinVar (database versions not stated): ExAC 0.00024; gnomAD exomes 0.00025 and 0.00059; gnomAD 0.00032 and 0.00033; TOPMed 0.00034; ESP Exome Variant Server 0.00085.
gnomAD v4.1: 927 of 1,614,152 alleles (0.057%); highest among the groups gnomAD compares: Non-Finnish European, 0.073%; no homozygotes.

Submissions (11):

GeneDx
Classification: Uncertain significance. Last evaluated: 2026-08-06. Review status: criteria provided, single submitter. Criteria: GeneDx Variant Classification Process June 2021. Collection method: clinical testing. Allele origin: germline.
Comment: Observed in patient with possible mitochondrial disease in published literature; however, no further information was provided (PMID: 35641312); In silico analysis suggests that this missense variant does not alter protein structure/function; This variant is associated with the following publications: (PMID: 31266935, 35641312, 37349538)

Labcorp Genetics (formerly Invitae), Labcorp
Classification: Likely benign. Last evaluated: 2025-11-27. Review status: criteria provided, single submitter. Criteria: Invitae Variant Classification Sherloc (09022015). Collection method: clinical testing. Allele origin: germline.

CeGaT Center for Human Genetics Tuebingen
Classification: Uncertain significance. Last evaluated: 2024-06-01. Review status: criteria provided, single submitter. Criteria: CeGaT Center For Human Genetics Tuebingen Variant Classification Criteria Version 2. Collection method: clinical testing. Allele origin: germline. Affected: yes. Observed: 3 variant alleles.
Comment: TWNK: PM2:Supporting, PP3

Athena Diagnostics
Classification: Uncertain significance. Last evaluated: 2023-11-21. Review status: criteria provided, single submitter. Criteria: Athena Diagnostics Criteria. Collection method: clinical testing. Allele origin: unknown.
Comment: Available data are insufficient to determine the clinical significance of the variant at this time. The frequency of this variant in the general population is higher than would generally be expected for pathogenic variants in this gene. Computational tools predict that this variant is not damaging.

Mayo Clinic Laboratories, Mayo Clinic
Classification: Uncertain significance. Last evaluated: 2021-04-19. Review status: criteria provided, single submitter. Criteria: ACMG Guidelines, 2015. Collection method: clinical testing. Allele origin: germline.

Genome Diagnostics Laboratory, The Hospital for Sick Children
Classification: Uncertain significance for Hereditary spastic paraplegia. Last evaluated: 2019-03-01. Review status: criteria provided, single submitter. Criteria: ACMG Guidelines, 2015. Collection method: clinical testing. Allele origin: germline. Affected: yes.

Illumina Laboratory Services, Illumina
Classification: Benign for Progressive external ophthalmoplegia with mitochondrial DNA deletions, autosomal dominant 3. Last evaluated: 2018-01-13. Review status: criteria provided, single submitter. Criteria: ICSL Variant Classification Criteria 13 December 2019. Collection method: clinical testing. Allele origin: germline.
Comment: This variant was observed in the ICSL laboratory as part of a predisposition screen in an ostensibly healthy population. It had not been previously curated by ICSL or reported in the Human Gene Mutation Database (HGMD: prior to June 1st, 2018), and was therefore a candidate for classification through an automated scoring system. Utilizing variant allele frequency, disease prevalence and penetrance estimates, and inheritance mode, an automated score was calculated to assess if this variant is too frequent to cause the disease. Based on the score and internal cut-off values, a variant classified as benign is not then subjected to further curation. The score for this variant resulted in a classification of benign for this disease.

Illumina Laboratory Services, Illumina
Classification: Uncertain significance for Infantile onset spinocerebellar ataxia. Last evaluated: 2018-01-13. Review status: criteria provided, single submitter. Criteria: ICSL Variant Classification Criteria 13 December 2019. Collection method: clinical testing. Allele origin: germline.

Illumina Laboratory Services, Illumina
Classification: Benign for Sensory ataxic neuropathy-dysarthria-ophthalmoparesis syndrome. Last evaluated: 2018-01-13. Review status: criteria provided, single submitter. Criteria: ICSL Variant Classification Criteria 13 December 2019. Collection method: clinical testing. Allele origin: germline.
Comment: the same text as in the submission from Illumina Laboratory Services, Illumina above.

Illumina Laboratory Services, Illumina
Classification: Uncertain significance for Autosomal recessive cerebellar ataxia. Last evaluated: 2018-01-13. Review status: criteria provided, single submitter. Criteria: ICSL Variant Classification Criteria 13 December 2019. Collection method: clinical testing. Allele origin: germline.

Dr. Peter K. Rogan Lab, Western University
No classification provided (evidence only). Condition: Clear cell carcinoma of kidney. Review status: no classification provided. Collection method: in vitro. Allele origin: not applicable. Functional consequence: retained intron. Not counted in ClinVar's aggregate classification.

Literature cited by the submitters: PubMed 35641312 (cited by Athena Diagnostics); PubMed 37349538 (cited by Athena Diagnostics).

NM_021830.5(TWNK):c.241C>G (p.Leu81Val)

Gene: TWNK (twinkle mtDNA helicase; plus strand). Cytogenetic location: 10q24.31.
Variant type: single nucleotide variant.
Coding change: c.241C>G on transcript NM_021830.5 (MANE Select); coding-DNA position 241, C replaced by G.
Protein change: p.Leu81Val; replaces leucine 81 with valine.
Molecular consequence: missense variant. On other transcripts: non-coding transcript variant (4), intron variant (3).
Genome position (GRCh38, 1-based): chr10:100,988,451, C>G. VCF-style: chr10-100988451-C-G. GRCh37 (hg19) VCF-style: chr10-102748208-C-G.
Other names: c.241C>G, p.Leu81Val (NM_001163812.2); c.-120+838C>G (NM_001163814.2, NM_001163813.2); c.-58+838C>G (NM_001368275.1); short protein forms L81V.
Identifiers: ClinVar variation 279715 (VCV000279715.57), dbSNP rs145068570, ClinGen allele CA5653043.